The following is an entry in ClinVar:

NM_006302.3(MOGS):c.1177G>A (p.Ala393Thr)

Gene: MOGS (mannosyl-oligosaccharide glucosidase; minus strand). Cytogenetic location: 2p13.1.
Variant type: single nucleotide variant.
Coding change: c.1177G>A on transcript NM_006302.3 (MANE Select); coding-DNA position 1177, G replaced by A.
Protein change: p.Ala393Thr; replaces alanine 393 with threonine.
Molecular consequence: missense variant.
Genome position (GRCh38, 1-based): chr2:74,462,612, C>T on the plus strand (G>A on the coding strand, the complement: MOGS is on the minus strand). VCF-style: chr2-74462612-C-T. GRCh37 (hg19) VCF-style: chr2-74689739-C-T.
Other names: c.859G>A, p.Ala287Thr (NM_001146158.2); short protein forms A287T, A393T.
Identifiers: ClinVar variation 1921174 (VCV001921174.4), dbSNP rs976281370, ClinGen allele CA50476161.
Genomic context (GRCh38, chr2:74,462,612, plus strand): 5'-GCAATACCAGCCCTTGTCCGTAGAAGTAGCCAATTCCACCAAGGAGGCCGCTGAGGGCAG[C>T]CTGACCCAAAACCTGCTCGCCAGAGCTCAGGCCCTTCTCCTTCAGCTGGAAGGTCTTCTC-3'
Protein context (NP_006293.2, residues 383-403): LSSGEQVLGQ[Ala393Thr]ALSGLLGGIG

ClinVar aggregate classification (germline): Uncertain significance (1 of 4 stars; one submission).

Conditions:
MOGS-congenital disorder of glycosylation. Also called: GLUCOSIDASE I DEFICIENCY; MOGS-CDG; CDG IIb; CDG 2B. Identifiers: Orphanet 79330, MedGen C1853736, MONDO:0011629, OMIM 606056.

Allele frequency attached by ClinVar (database versions not stated): TOPMed below 0.00001.

Submission:

Labcorp Genetics (formerly Invitae), Labcorp
Classification: Uncertain significance for MOGS-congenital disorder of glycosylation. Last evaluated: 2022-04-12. Review status: criteria provided, single submitter. Criteria: Invitae Variant Classification Sherloc (09022015). Collection method: clinical testing. Allele origin: germline.
Comment: In summary, the available evidence is currently insufficient to determine the role of this variant in disease. Therefore, it has been classified as a Variant of Uncertain Significance. Algorithms developed to predict the effect of missense changes on protein structure and function output the following: SIFT: "Tolerated"; PolyPhen-2: "Benign"; Align-GVGD: "Class C0". The threonine amino acid residue is found in multiple mammalian species, which suggests that this missense change does not adversely affect protein function. This variant has not been reported in the literature in individuals affected with MOGS-related conditions. This variant is not present in population databases (gnomAD no frequency). This sequence change replaces alanine, which is neutral and non-polar, with threonine, which is neutral and polar, at codon 393 of the MOGS protein (p.Ala393Thr).